The following is an entry in ClinVar:

NM_144670.6(A2ML1):c.1444_1445del (p.Ser482fs)

Gene: A2ML1 (alpha-2-macroglobulin like 1; plus strand). Cytogenetic location: 12p13.31.
Variant type: Deletion.
Coding change: c.1444_1445del on transcript NM_144670.6 (MANE Select); coding-DNA positions 1444 to 1445, 2 bases deleted (AG; older notation c.1444_1445delAG).
Protein change: p.Ser482fs; shifts the reading frame from serine 482.
Molecular consequence: frameshift variant.
Genome position (GRCh38, 1-based): chr12:8,843,329-8,843,330, AG deleted. VCF-style (leftmost placement, unchanged base first): chr12-8843328-AAG-A. GRCh37 (hg19) VCF-style: chr12-8995924-AAG-A.
Other names: c.1444_1445delAG (NM_144670.5); c.1444_1445del (NM_144670.4); short protein forms S482fs.
Identifiers: ClinVar variation 241884 (VCV000241884.16), dbSNP rs143864957, ClinGen allele CA6435655.

ClinVar aggregate classification (germline): Benign. Review status: criteria provided, multiple submitters, no conflicts (2 of 4 stars). 4 submissions from 4 submitters: Benign (4). Last evaluated 2026-02-01.

Allele frequency attached by ClinVar (database versions not stated): gnomAD exomes 0.00157 and 0.00400; ExAC 0.00495; 1000 Genomes Project 0.01577; gnomAD 0.01634 and 0.01780; 1000 Genomes Project 30x 0.01749; TOPMed 0.01805; ESP Exome Variant Server 0.01807.

Submissions (4):

Labcorp Genetics (formerly Invitae), Labcorp
Classification: Benign. Last evaluated: 2026-02-01. Review status: criteria provided, single submitter. Criteria: Invitae Variant Classification Sherloc (09022015). Collection method: clinical testing. Allele origin: germline.

Dubai Health Genomic Medicine Center, Dubai Health
Classification: Benign. Last evaluated: 2020-01-02. Review status: criteria provided, single submitter. Criteria: ACMG Guidelines, 2015. Collection method: clinical testing. Allele origin: germline. Affected: yes.

Women's Health and Genetics/Laboratory Corporation of America, LabCorp
Classification: Benign. Last evaluated: 2019-08-19. Review status: criteria provided, single submitter. Criteria: LabCorp Variant Classification Summary - May 2015. Collection method: clinical testing. Allele origin: germline.
Comment: Variant summary: A2ML1 c.1444_1445delAG (p.Ser482ProfsX2) results in a premature termination codon, predicted to cause a truncation of the encoded protein or absence of the protein due to nonsense mediated decay. The variant allele was found at a frequency of 0.004 in 249508 control chromosomes, predominantly at a frequency of 0.057 within the African or African-American subpopulation in the gnomAD database, including 29 homozygotes. The observed variant frequency within African or African-American control individuals in the gnomAD database is approximately 14250-folds over the estimated maximal expected allele frequency for a pathogenic variant in A2ML1 causing Noonan Syndrome phenotype (4e-06), strongly suggesting that the variant is a benign polymorphism found primarily in populations of African or African-American origin. To our knowledge, no occurrence of c.1444_1445delAG in individuals affected with Noonan Syndrome and no experimental evidence demonstrating its impact on protein function have been reported. Two ClinVar submissions (evaluation after 2014) cite the variant as benign. Based on the evidence outlined above, the variant was classified as benign.

GeneDx
Classification: Benign. Last evaluated: 2018-03-27. Review status: criteria provided, single submitter. Criteria: GeneDx Variant Classification Process June 2021. Collection method: clinical testing. Allele origin: germline. Affected: yes.